The following is an entry in ClinVar:

ClinVar aggregate classification (germline): Uncertain significance (1 of 4 stars; one submission).

Conditions:
Cardiovascular phenotype. Identifiers: MedGen CN230736.

Submission:

Ambry Genetics
Classification: Uncertain significance for Cardiovascular phenotype. Last evaluated: 2026-02-19. Review status: criteria provided, single submitter. Criteria: Ambry Variant Classification Scheme 2023. Collection method: clinical testing. Allele origin: germline.
Comment: The p.S95P variant (also known as c.283T>C), located in coding exon 3 of the MAT2A gene, results from a T to C substitution at nucleotide position 283. The serine at codon 95 is replaced by proline, an amino acid with similar properties. This amino acid position is conserved. In addition, this alteration is predicted to be deleterious by in silico analysis. Based on the available evidence, the clinical significance of this variant remains unclear.

NM_005911.6(MAT2A):c.283T>C (p.Ser95Pro)

Genes: GGCX (gamma-glutamyl carboxylase; minus strand), MAT2A (methionine adenosyltransferase 2A; plus strand). Cytogenetic location: 2p11.2.
Variant type: single nucleotide variant.
Coding change: c.283T>C on transcript NM_005911.6 (MANE Select); coding-DNA position 283, T replaced by C.
Protein change: p.Ser95Pro; replaces serine 95 with proline.
Molecular consequence: missense variant.
Genome position (GRCh38, 1-based): chr2:85,541,368, T>C. VCF-style: chr2-85541368-T-C. GRCh37 (hg19) VCF-style: chr2-85768491-T-C.
Other names: short protein forms S95P.
Identifiers: ClinVar variation 4844405 (VCV004844405.1).
Genomic context (GRCh38, chr2:85,541,368, plus strand): 5'-GCTGCTGTTGACTACCAGAAAGTGGTTCGTGAAGCTGTTAAACACATTGGATATGATGAT[T>C]CTTCCAAAGGTGTGTTTTAATGATTTTGCTCATTTTTTTCTAGGTAACAGCTGTGAGGTT-3'
Protein context (NP_005902.1, residues 85-105): EAVKHIGYDD[Ser95Pro]SKGFDYKTCN